The following is an entry in ClinVar:

ClinVar aggregate classification (germline): Benign/Likely benign. Review status: criteria provided, multiple submitters, no conflicts (2 of 4 stars). 4 submissions from 4 submitters: Benign (2); Likely benign (2). Last evaluated 2026-05-01.

Allele frequency attached by ClinVar (database versions not stated): 1000 Genomes Project 0.00100; 1000 Genomes Project 30x 0.00125; gnomAD 0.00167 and 0.00178; ExAC 0.00170; gnomAD exomes 0.00178 and 0.00253; TOPMed 0.00190; ESP Exome Variant Server 0.00236.
gnomAD v4.1: 3,915 of 1,612,358 alleles (0.24%); highest among the groups gnomAD compares: Non-Finnish European, 0.3%; 9 homozygotes.

Submissions (4):

CeGaT Center for Human Genetics Tuebingen
Classification: Likely benign. Last evaluated: 2026-05-01. Review status: criteria provided, single submitter. Criteria: CeGaT Center For Human Genetics Tuebingen Variant Classification Criteria Version 2. Collection method: clinical testing. Allele origin: germline. Affected: yes. Observed: 14 variant alleles.
Comment: TANC2: BP4, BP7, BS1

Blueprint Genetics
Classification: Likely benign. Last evaluated: 2024-11-26. Review status: criteria provided, single submitter. Criteria: ACMG Guidelines, 2015. Collection method: clinical testing. Allele origin: germline.

Labcorp Genetics (formerly Invitae), Labcorp
Classification: Benign. Last evaluated: 2018-05-08. Review status: criteria provided, single submitter. Criteria: Invitae Variant Classification Sherloc (09022015). Collection method: clinical testing. Allele origin: germline.

Breakthrough Genomics
Classification: Benign. Review status: criteria provided, single submitter. Criteria: ACMG Guidelines, 2015. Collection method: not provided. Allele origin: germline. Inheritance: Autosomal dominant inheritance. Affected: yes.

NM_001394998.1(TANC2):c.594C>T (p.Ile198=)

Gene: TANC2 (tetratricopeptide repeat, ankyrin repeat and coiled-coil containing 2; plus strand). Cytogenetic location: 17q23.3.
Variant type: single nucleotide variant.
Coding change: c.594C>T on transcript NM_001394998.1 (MANE Select); coding-DNA position 594, C replaced by T.
Protein change: p.Ile198=; no amino-acid change (isoleucine 198 retained).
Molecular consequence: synonymous variant.
Genome position (GRCh38, 1-based): chr17:63,200,782, C>T. VCF-style: chr17-63200782-C-T. GRCh37 (hg19) VCF-style: chr17-61278143-C-T.
Other names: c.372C>T, p.Ile124= (NM_025185.4).
Identifiers: ClinVar variation 718300 (VCV000718300.30), dbSNP rs189853609, ClinGen allele CA8697389.